The following is an entry in ClinVar:

NM_001290060.2(SEMA3B):c.930_931del (p.Phe311fs)

Gene: SEMA3B (semaphorin 3B; plus strand). Cytogenetic location: 3p21.31.
Variant type: Microsatellite.
Coding change: c.930_931del on transcript NM_001290060.2 (MANE Select); coding-DNA positions 930 to 931, 2 bases deleted (GT; older notation c.930_931delGT).
Protein change: p.Phe311fs; shifts the reading frame from phenylalanine 311.
Molecular consequence: frameshift variant. On other transcripts: 5 prime UTR variant (2).
Genome position (GRCh38, 1-based): chr3:50,273,766-50,273,767, GT deleted; deleting any 2 consecutive bases within chr3:50,273,763-50,273,767 gives the same sequence; the c. name uses the placement nearest the transcript's 3' end. VCF-style (leftmost placement, unchanged base first): chr3-50273762-ATG-A. GRCh37 (hg19) VCF-style: chr3-50311193-ATG-A.
Other names: c.930_931del, p.Phe311fs (NM_001005914.3, NM_004636.4); c.945_946del, p.Phe316fs (NM_001290061.1); c.-99GT[1] (NM_001290062.2); c.-102GT[1] (NM_001290063.2); c.945_946delGT (NM_001290061.1); short protein forms F311fs, F316fs.
Identifiers: ClinVar variation 3358324 (VCV003358324.1).

ClinVar aggregate classification (germline): Uncertain significance (0 of 4 stars; one submission).

Conditions:
SEMA3B-related disorder. Also called: SEMA3B-related condition.

Submission:

PreventionGenetics, part of Exact Sciences
Classification: Uncertain significance for SEMA3B-related condition. Last evaluated: 2024-05-12. Review status: no assertion criteria provided. Collection method: clinical testing. Allele origin: germline.
Comment: The SEMA3B c.945_946delGT variant is predicted to result in a frameshift and premature protein termination (p.Phe316Serfs*131). To our knowledge, this variant has not been reported in the literature. This variant is reported in 0.0045% of alleles in individuals of African descent in gnomAD. Loss of function is not an established mechanism for SEMA3B-related disease. At this time, the clinical significance of this variant is uncertain due to the absence of conclusive functional and genetic evidence.